The following is an entry in ClinVar:

NM_019032.6(ADAMTSL4):c.1931G>A (p.Arg644His)

Genes: ADAMTSL4 (ADAMTS like 4; plus strand), ADAMTSL4-AS2 (ADAMTSL4 antisense RNA 2; minus strand). Cytogenetic location: 1q21.2.
Variant type: single nucleotide variant.
Coding change: c.1931G>A on transcript NM_019032.6 (MANE Select); coding-DNA position 1931, G replaced by A.
Protein change: p.Arg644His; replaces arginine 644 with histidine.
Molecular consequence: missense variant. On other transcripts: intron variant (1).
Genome position (GRCh38, 1-based): chr1:150,557,219, G>A. VCF-style: chr1-150557219-G-A. GRCh37 (hg19) VCF-style: chr1-150529695-G-A.
Other names: c.2000G>A, p.Arg667His (NM_001288608.2); c.1931G>A, p.Arg644His (NM_001378596.1, NM_025008.5); c.1857-43G>A (NM_001288607.2); c.1931G>A (NM_019032.4); short protein forms R644H, R667H.
Identifiers: ClinVar variation 1901852 (VCV001901852.4), dbSNP rs776856583, ClinGen allele CA1078458.

ClinVar aggregate classification (germline): Uncertain significance. Review status: criteria provided, multiple submitters, no conflicts (2 of 4 stars). 2 submissions from 2 submitters: Uncertain significance (2). Last evaluated 2025-03-07.

Conditions:
Inborn genetic diseases. Identifiers: MedGen C0950123, MeSH D030342.

Allele frequency attached by ClinVar (database versions not stated): ExAC 0.00001; gnomAD 0.00001; TOPMed 0.00001.
gnomAD v4.1: 18 of 1,611,764 alleles (0.0011%); highest among the groups gnomAD compares: South Asian, 0.0022%; no homozygotes.

Submissions (2):

Ambry Genetics
Classification: Uncertain significance for Inborn genetic diseases. Last evaluated: 2025-03-07. Review status: criteria provided, single submitter. Criteria: Ambry Variant Classification Scheme 2023. Collection method: clinical testing. Allele origin: germline.

Labcorp Genetics (formerly Invitae), Labcorp
Classification: Uncertain significance. Last evaluated: 2022-04-12. Review status: criteria provided, single submitter. Criteria: Invitae Variant Classification Sherloc (09022015). Collection method: clinical testing. Allele origin: germline.
Comment: In summary, the available evidence is currently insufficient to determine the role of this variant in disease. Therefore, it has been classified as a Variant of Uncertain Significance. This sequence change replaces arginine, which is basic and polar, with histidine, which is basic and polar, at codon 644 of the ADAMTSL4 protein (p.Arg644His). This variant is present in population databases (rs776856583, gnomAD 0.003%). This variant has not been reported in the literature in individuals affected with ADAMTSL4-related conditions. Algorithms developed to predict the effect of missense changes on protein structure and function (SIFT, PolyPhen-2, Align-GVGD) all suggest that this variant is likely to be disruptive.